The following is an entry in ClinVar:

NM_001378615.1(CC2D2A):c.647C>T (p.Ala216Val)

Genes: CC2D2A (coiled-coil and C2 domain containing 2A; plus strand), FBXL5 (F-box and leucine rich repeat protein 5; minus strand). Cytogenetic location: 4p15.32.
Variant type: single nucleotide variant.
Coding change: c.647C>T on transcript NM_001378615.1 (MANE Select); coding-DNA position 647, C replaced by T.
Protein change: p.Ala216Val; replaces alanine 216 with valine.
Molecular consequence: missense variant.
Genome position (GRCh38, 1-based): chr4:15,511,353, C>T. VCF-style: chr4-15511353-C-T. GRCh37 (hg19) VCF-style: chr4-15512976-C-T.
Other names: c.647C>T, p.Ala216Val (NM_001080522.2); c.500C>T, p.Ala167Val (NM_001378617.1); short protein forms A216V, A167V.
Identifiers: ClinVar variation 809621 (VCV000809621.53), dbSNP rs768733110, ClinGen allele CA2863458.

ClinVar aggregate classification (germline): Conflicting classifications of pathogenicity. Review status: criteria provided, conflicting classifications (1 of 4 stars). 5 submissions from 5 submitters: Uncertain significance (1); Benign (1); Likely benign (1). 2 of the submissions do not count toward it. Last evaluated 2026-01-24.

Conditions:
CC2D2A-related disorder. Also called: CC2D2A-related condition; CC2D2A-related disorders. Identifiers: MedGen CN239313.
Meckel-Gruber syndrome. Also called: Dysencephalia splachnocystica; DYSENCEPHALIA SPLANCHNOCYSTICA; GRUBER SYNDROME. Identifiers: Orphanet 564, MedGen C0265215, MONDO:0018921.
Joubert syndrome. Also called: Familial aplasia of the vermis; JOUBERT-BOLTSHAUSER SYNDROME. Identifiers: Orphanet 475, MedGen C5979921, MONDO:0018772.

Allele frequency attached by ClinVar (database versions not stated): gnomAD 0.00006 and 0.00011; TOPMed 0.00006; gnomAD exomes 0.00019 and 0.00021; ExAC 0.00026.
gnomAD v4.1: 283 of 1,575,836 alleles (0.018%); highest among the groups gnomAD compares: South Asian, 0.18%; no homozygotes.

Submissions (5):

Labcorp Genetics (formerly Invitae), Labcorp
Classification: Likely benign for Joubert syndrome; Meckel-Gruber syndrome. Last evaluated: 2026-01-24. Review status: criteria provided, single submitter. Criteria: Invitae Variant Classification Sherloc (09022015). Collection method: clinical testing. Allele origin: germline.

Blueprint Genetics
Classification: Benign. Last evaluated: 2024-03-27. Review status: criteria provided, single submitter. Criteria: ACMG Guidelines, 2015. Collection method: clinical testing. Allele origin: germline.

CeGaT Center for Human Genetics Tuebingen
Classification: Uncertain significance. Last evaluated: 2018-02-01. Review status: criteria provided, single submitter. Criteria: CeGaT Center For Human Genetics Tuebingen Variant Classification Criteria Version 2. Collection method: clinical testing. Allele origin: germline. Affected: yes. Observed: 1 variant allele.

PreventionGenetics, part of Exact Sciences
Classification: Likely benign for CC2D2A-related condition. Last evaluated: 2022-04-20. Review status: no assertion criteria provided. Collection method: clinical testing. Allele origin: germline. Not counted in ClinVar's aggregate classification.
Comment: This variant is classified as likely benign based on ACMG/AMP sequence variant interpretation guidelines (Richards et al. 2015 PMID: 25741868, with internal and published modifications).

Department of Pathology and Laboratory Medicine, Sinai Health System
Classification: Uncertain significance. Review status: no assertion criteria provided. Collection method: clinical testing. Allele origin: unknown. Affected: yes. Study: The Canadian Open Genetics Repository (COGR). Not counted in ClinVar's aggregate classification.
Comment: The CC2D2A p.Ala216Val variant was not identified in the literature nor was it identified in the ClinVar, Cosmic, MutDB or LOVD 3.0 databases. The variant was identified in dbSNP (ID: rs768733110) and in control databases in 46 of 243930 chromosomes at a frequency of 0.000189 (Genome Aggregation Database Feb 27, 2017). The variant was observed in the following populations: South Asian in 40 of 24484 chromosomes (freq: 0.001634), Other in 1 of 5932 chromosomes (freq: 0.000169), East Asian in 1 of 15708 chromosomes (freq: 0.000064) and European (non-Finnish) in 4 of 116074 chromosomes (freq: 0.000034); it was not observed in the African, Latino, Ashkenazi Jewish, and European (Finnish) populations. The p.Ala216 residue is not conserved in mammals and computational analyses (PolyPhen-2, SIFT, AlignGVGD, BLOSUM, and MutationTaster) do not suggest a high likelihood of impact to the protein; however, this information is not predictive enough to rule out pathogenicity. In summary, based on the above information the clinical significance of this variant cannot be determined with certainty at this time. This variant is classified as a variant of uncertain significance.